The following is an entry in ClinVar:

ClinVar aggregate classification (germline): Uncertain significance (1 of 4 stars; one submission).

Conditions:
EP300-related disorder. Also called: EP300-related condition; EP300-related disorders.

Submission:

PreventionGenetics, part of Exact Sciences
Classification: Uncertain significance for EP300-related condition. Last evaluated: 2025-01-02. Review status: criteria provided, single submitter. Criteria: ACMG Guidelines, 2015. Collection method: clinical testing. Allele origin: germline.
Comment: The EP300 c.2509A>T variant is predicted to result in the amino acid substitution p.Ser837Cys. To our knowledge, this variant has not been reported in the literature or in a large population database (gnomAD), indicating this variant is rare. At this time, the clinical significance of this variant is uncertain due to the absence of conclusive functional and genetic evidence.

NM_001429.4(EP300):c.2509A>T (p.Ser837Cys)

Gene: EP300 (EP300 lysine acetyltransferase; plus strand). Cytogenetic location: 22q13.2.
Variant type: single nucleotide variant.
Coding change: c.2509A>T on transcript NM_001429.4 (MANE Select); coding-DNA position 2509, A replaced by T.
Protein change: p.Ser837Cys; replaces serine 837 with cysteine.
Molecular consequence: missense variant.
Genome position (GRCh38, 1-based): chr22:41,149,890, A>T. VCF-style: chr22-41149890-A-T. GRCh37 (hg19) VCF-style: chr22-41545894-A-T.
Other names: c.2431A>T, p.Ser811Cys (NM_001362843.2); short protein forms S837C, S811C.
Identifiers: ClinVar variation 4980107 (VCV004980107.1).